The following is an entry in ClinVar:

NM_001080517.3(SETD5):c.4123C>T (p.Pro1375Ser)

Gene: SETD5 (SET domain containing 5; plus strand). Cytogenetic location: 3p25.3.
Variant type: single nucleotide variant.
Coding change: c.4123C>T on transcript NM_001080517.3 (MANE Select); coding-DNA position 4123, C replaced by T.
Protein change: p.Pro1375Ser; replaces proline 1375 with serine.
Molecular consequence: missense variant.
Genome position (GRCh38, 1-based): chr3:9,475,885, C>T. VCF-style: chr3-9475885-C-T. GRCh37 (hg19) VCF-style: chr3-9517569-C-T.
Other names: c.3829C>T, p.Pro1277Ser (NM_001292043.2, NM_001349451.2); c.4123C>T (NM_001080517.1); short protein forms P1375S, P1277S.
Identifiers: ClinVar variation 1904968 (VCV001904968.6), dbSNP rs756264715, ClinGen allele CA2239869.

ClinVar aggregate classification (germline): Conflicting classifications of pathogenicity. Review status: criteria provided, conflicting classifications (1 of 4 stars). 2 submissions from 2 submitters: Uncertain significance (1); Likely benign (1). Last evaluated 2024-04-01.

Allele frequency attached by ClinVar (database versions not stated): gnomAD exomes 0.00001; ExAC 0.00002; gnomAD 0.00003; TOPMed 0.00003.
gnomAD v4.1: 8 of 1,613,920 alleles (0.0005%); highest among the groups gnomAD compares: African/African-American, 0.011%; no homozygotes.

Submissions (2):

GeneDx
Classification: Uncertain significance. Last evaluated: 2024-04-01. Review status: criteria provided, single submitter. Criteria: GeneDx Variant Classification Process June 2021. Collection method: clinical testing. Allele origin: germline. Affected: yes.
Comment: In silico analysis supports that this missense variant does not alter protein structure/function; Has not been previously published as pathogenic or benign to our knowledge

Labcorp Genetics (formerly Invitae), Labcorp
Classification: Likely benign. Last evaluated: 2023-07-10. Review status: criteria provided, single submitter. Criteria: Invitae Variant Classification Sherloc (09022015). Collection method: clinical testing. Allele origin: germline.